The following is an entry in ClinVar:

NM_024665.7(TBL1XR1):c.987G>A (p.Met329Ile)

Genes: TBL1XR1 (TBL1X/Y related 1; minus strand), TBL1XR1-AS1 (TBL1XR1 antisense RNA 1; plus strand), LOC126806878 (CDK7 strongly-dependent group 2 enhancer GRCh37_chr3:176755168-176756367; plus strand). Cytogenetic location: 3q26.32.
Variant type: single nucleotide variant.
Coding change: c.987G>A on transcript NM_024665.7 (MANE Select); coding-DNA position 987, G replaced by A.
Protein change: p.Met329Ile; replaces methionine 329 with isoleucine.
Molecular consequence: missense variant.
Genome position (GRCh38, 1-based): chr3:177,038,373, C>T on the plus strand (G>A on the coding strand, the complement: TBL1XR1 is on the minus strand). VCF-style: chr3-177038373-C-T. GRCh37 (hg19) VCF-style: chr3-176756161-C-T.
Other names: p.Met329Ile; c.987G>A, p.Met329Ile (NM_001321193.3, NM_001321194.3, NM_001374327.1 and 2 more transcripts); c.726G>A, p.Met242Ile (NM_001321195.3, NM_001374330.1); short protein forms M329I, M242I.
Identifiers: ClinVar variation 392060 (VCV000392060.6), dbSNP rs1057524343, ClinGen allele CA16604489.

ClinVar aggregate classification (germline): Pathogenic. Review status: criteria provided, single submitter (1 of 4 stars). 2 submissions from 2 submitters: Pathogenic (1). 1 of the submissions does not count toward it. Last evaluated 2025-11-19.

Conditions:
Pierpont syndrome (PRPTS). Identifiers: Orphanet 487825, MedGen C1865644, MONDO:0011213, OMIM 602342.

Submissions (2):

GeneDx
Classification: Pathogenic. Last evaluated: 2025-11-19. Review status: criteria provided, single submitter. Criteria: GeneDx Variant Classification Process June 2021. Collection method: clinical testing. Allele origin: germline. Affected: yes.
Comment: Reported in an individual with a diagnosis of Pierpont syndrome in the published literature, however, additional clinical and family history information was not included (PMID: 38378692); Not observed at significant frequency in large population cohorts (gnomAD); In silico analysis suggests that this missense variant does not alter protein structure/function; This variant is associated with the following publications: (PMID: 38378692)

Undiagnosed Diseases Network, NIH
Classification: Pathogenic for Pierpont syndrome. Last evaluated: 2023-05-04. Review status: no assertion criteria provided. Collection method: clinical testing. Allele origin: de novo. Affected: yes. Observed: 1 variant allele, 1 heterozygote. Study: Undiagnosed Diseases Network (NIH), UDN. Not counted in ClinVar's aggregate classification.